The following is an entry in ClinVar:

NM_005918.4(MDH2):c.807G>C (p.Lys269Asn)

Gene: MDH2 (malate dehydrogenase 2; plus strand). Cytogenetic location: 7q11.23.
Variant type: single nucleotide variant.
Coding change: c.807G>C on transcript NM_005918.4 (MANE Select); coding-DNA position 807, G replaced by C.
Protein change: p.Lys269Asn; replaces lysine 269 with asparagine.
Molecular consequence: missense variant.
Genome position (GRCh38, 1-based): chr7:76,064,875, G>C. VCF-style: chr7-76064875-G-C. GRCh37 (hg19) VCF-style: chr7-75694193-G-C.
Other names: c.681G>C, p.Lys227Asn (NM_001282403.2); c.486G>C, p.Lys162Asn (NM_001282404.2); short protein forms K162N, K269N, K227N.
Identifiers: ClinVar variation 1354968 (VCV001354968.8), dbSNP rs1176165729, ClinGen allele CA367768392.

ClinVar aggregate classification (germline): Uncertain significance (1 of 4 stars; one submission).

Submission:

Labcorp Genetics (formerly Invitae), Labcorp
Classification: Uncertain significance. Last evaluated: 2020-12-08. Review status: criteria provided, single submitter. Criteria: Invitae Variant Classification Sherloc (09022015). Collection method: clinical testing. Allele origin: germline.
Comment: In summary, the available evidence is currently insufficient to determine the role of this variant in disease. Therefore, it has been classified as a Variant of Uncertain Significance. Algorithms developed to predict the effect of missense changes on protein structure and function are either unavailable or do not agree on the potential impact of this missense change (SIFT: "Deleterious"; PolyPhen-2: "Possibly Damaging"; Align-GVGD: "Class C0"). This variant has not been reported in the literature in individuals with MDH2-related conditions. This variant is not present in population databases (ExAC no frequency). This sequence change replaces lysine with asparagine at codon 269 of the MDH2 protein (p.Lys269Asn). The lysine residue is moderately conserved and there is a moderate physicochemical difference between lysine and asparagine.